The following is an entry in ClinVar:

ClinVar aggregate classification (germline): Pathogenic. Review status: criteria provided, single submitter (1 of 4 stars). 2 submissions from 2 submitters: Pathogenic (1). 1 of the submissions does not count toward it. Last evaluated 2022-08-18.

Conditions:
CLDN14-related disorder. Also called: CLDN14-related condition.
Autosomal recessive nonsyndromic hearing loss 29. Identifiers: Orphanet 90636, MedGen C3279660, MONDO:0013537, OMIM 614035.

Allele frequency attached by ClinVar (database versions not stated): gnomAD exomes 0.00001 and 0.00002; ExAC 0.00002; gnomAD 0.00003; TOPMed 0.00003; ESP Exome Variant Server 0.00008.
gnomAD v4.1: 14 of 1,613,268 alleles (0.00087%); highest among the groups gnomAD compares: African/African-American, 0.008%; no homozygotes.

Submissions (2):

PreventionGenetics, part of Exact Sciences
Classification: Pathogenic for CLDN14-related condition. Last evaluated: 2022-08-18. Review status: criteria provided, single submitter. Criteria: ACMG Guidelines, 2015. Collection method: clinical testing. Allele origin: germline.
Comment: The CLDN14 c.167G>A variant is predicted to result in premature protein termination (p.Trp56*). This variant was reported to segregate with autosomal recessive nonsyndromic hearing loss in three affected and two unaffected members of a consanguineous family (Lee et al 2012. PubMed ID: 22246673). This variant is reported in 0.016% of alleles in individuals of European (Finnish) descent in gnomAD. Nonsense variants in CLDN14 are expected to be pathogenic. This variant is interpreted as pathogenic.

OMIM
Classification: Pathogenic for DEAFNESS, AUTOSOMAL RECESSIVE 29. Last evaluated: 2012-02-01. Review status: no assertion criteria provided. Collection method: literature only. Allele origin: germline. Not counted in ClinVar's aggregate classification.

Literature cited by the submitters: PubMed 22246673 (cited by OMIM).

NM_001146079.2(CLDN14):c.167G>A (p.Trp56Ter)

Genes: CLDN14 (claudin 14; minus strand), CLDN14-AS1 (CLDN14 antisense RNA 1; plus strand). Cytogenetic location: 21q22.13.
Variant type: single nucleotide variant.
Coding change: c.167G>A on transcript NM_001146079.2 (MANE Select); coding-DNA position 167, G replaced by A.
Protein change: p.Trp56Ter; replaces tryptophan 56 with a stop codon.
Molecular consequence: nonsense.
Genome position (GRCh38, 1-based): chr21:36,461,529, C>T on the plus strand (G>A on the coding strand, the complement: CLDN14 is on the minus strand). VCF-style: chr21-36461529-C-T. GRCh37 (hg19) VCF-style: chr21-37833827-C-T.
Other names: c.167G>A (NM_001146077.1); c.167G>A, p.Trp56Ter (NM_001146077.2, NM_001146078.3, NM_012130.4 and 1 more transcripts); short protein forms W56*.
Identifiers: ClinVar variation 189332 (VCV000189332.2), dbSNP rs371100799, ClinGen allele CA199223.